The following is an entry in ClinVar:

NM_198904.4(GABRG2):c.306_311del (p.Pro103_Val104del)

Gene: GABRG2 (gamma-aminobutyric acid type A receptor subunit gamma2; plus strand). Cytogenetic location: 5q34.
Variant type: Deletion.
Coding change: c.306_311del on transcript NM_198904.4 (MANE Select); coding-DNA positions 306 to 311, 6 bases deleted (TCCAGT; older notation c.306_311delTCCAGT).
Protein change: p.Pro103_Val104del.
Molecular consequence: inframe deletion. On other transcripts: 5 prime UTR variant (2).
Genome position (GRCh38, 1-based): chr5:162,095,541-162,095,546, TCCAGT deleted. VCF-style (leftmost placement, unchanged base first): chr5-162095540-GTCCAGT-G. GRCh37 (hg19) VCF-style: chr5-161522546-GTCCAGT-G.
Other names: c.306_311del, p.Pro103_Val104del (NM_000816.3, NM_001375340.1, NM_001375341.1 and 4 more transcripts); c.297_302del, p.Pro100_Val101del (NM_001375339.1); c.240_245del, p.Pro81_Val82del (NM_001375345.1, NM_001375346.1); c.219_224del, p.Pro74_Val75del (NM_001375347.1); c.-53_-48del (NM_001375348.1, NM_001375350.1); c.21_26del, p.Pro8_Val9del (NM_001375349.1).
Identifiers: ClinVar variation 2949443 (VCV002949443.3), dbSNP rs2532559820, ClinGen allele CA2740094167.
Genomic context (GRCh38, chr5:162,095,540, plus strand): 5'-TGTTTCTCTTTACAGTGAAGCCAACGTTAATTCACACAGACATGTATGTGAATAGCATTG[GTCCAGT>G]GAACGCTATCAATATGGTGAGTTTCCAAATAAAATTCTTTGTCTGTTTTATTAGCATGTT-3'

ClinVar aggregate classification (germline): Uncertain significance (1 of 4 stars; one submission).

Conditions:
EPILEPSY, CHILDHOOD ABSENCE, SUSCEPTIBILITY TO, 2 (ECA2). Identifiers: Orphanet 64280, MedGen C1843244, OMIM 607681.
Febrile seizures, familial, 8 (FEB8). Also called: CONVULSIONS, FAMILIAL FEBRILE, 8. Identifiers: Orphanet 36387, MedGen C1969810, MONDO:0011891, OMIM 607681.

Submission:

Labcorp Genetics (formerly Invitae), Labcorp
Classification: Uncertain significance for Febrile seizures, familial, 8; EPILEPSY, CHILDHOOD ABSENCE, SUSCEPTIBILITY TO, 2. Last evaluated: 2023-06-29. Review status: criteria provided, single submitter. Criteria: Invitae Variant Classification Sherloc (09022015). Collection method: clinical testing. Allele origin: germline.
Comment: This variant is not present in population databases (gnomAD no frequency). In summary, the available evidence is currently insufficient to determine the role of this variant in disease. Therefore, it has been classified as a Variant of Uncertain Significance. Experimental studies and prediction algorithms are not available or were not evaluated, and the functional significance of this variant is currently unknown. This variant has not been reported in the literature in individuals affected with GABRG2-related conditions. This variant, c.306_311del, results in the deletion of 2 amino acid(s) of the GABRG2 protein (p.Pro103_Val104del), but otherwise preserves the integrity of the reading frame.